The following is an entry in ClinVar:

NM_174936.4(PCSK9):c.2017A>G (p.Thr673Ala)

Gene: PCSK9 (proprotein convertase subtilisin/kexin type 9; plus strand). Cytogenetic location: 1p32.3.
Variant type: single nucleotide variant.
Coding change: c.2017A>G on transcript NM_174936.4 (MANE Select); coding-DNA position 2017, A replaced by G.
Protein change: p.Thr673Ala; replaces threonine 673 with alanine.
Molecular consequence: missense variant. On other transcripts: non-coding transcript variant (8).
Genome position (GRCh38, 1-based): chr1:55,063,522, A>G. VCF-style: chr1-55063522-A-G. GRCh37 (hg19) VCF-style: chr1-55529195-A-G.
Other names: c.2140A>G, p.Thr714Ala (NM_001407240.1); c.2059A>G, p.Thr687Ala (NM_001407241.1); c.2020A>G, p.Thr674Ala (NM_001407242.1); c.1960A>G, p.Thr654Ala (NM_001407243.1); c.1843A>G, p.Thr615Ala (NM_001407244.1); c.1825A>G, p.Thr609Ala (NM_001407245.1); c.1642A>G, p.Thr548Ala (NM_001407246.1); c.1516A>G, p.Thr506Ala (NM_001407247.1); short protein forms T506A, T548A, T609A, T615A, T654A, T673A, T674A, T687A.
Identifiers: ClinVar variation 3070353 (VCV003070353.1), dbSNP rs1177353786, ClinGen allele CA340480841.

ClinVar aggregate classification (germline): Uncertain significance (1 of 4 stars; one submission).

Conditions:
Hypercholesterolemia, autosomal dominant, 3 (FHCL3). Also called: PCSK9-Related Familial Hypercholesterolemia, Autosomal Dominant; Familial Hypercholesterolemia, Autosomal Dominant, 3; Familial hypercholesterolemia 3. Identifiers: MedGen C1863551, MONDO:0011369, OMIM 603776.

Allele frequency attached by ClinVar (database versions not stated): TOPMed below 0.00001; gnomAD 0.00001.
gnomAD v4.1: 1 of 1,613,432 alleles (0.000062%); highest among the groups gnomAD compares: African/African-American, 0.0013%; no homozygotes.

Submission:

All of Us Research Program, National Institutes of Health
Classification: Uncertain significance for Hypercholesterolemia, autosomal dominant, 3. Last evaluated: 2023-04-10. Review status: criteria provided, single submitter. Criteria: ACMG Guidelines, 2015. Collection method: clinical testing. Allele origin: germline. Inheritance: Autosomal dominant inheritance. Observed: 1 variant allele, 1 heterozygote.
Comment: This missense variant replaces threonine with alanine at codon 673 of the PCSK9 protein. Computational prediction suggests that this variant may not impact protein structure and function (internally defined REVEL score threshold <= 0.5, PMID: 27666373). To our knowledge, functional studies have not been reported for this variant. This variant has not been reported in individuals affected with PCSK9-related disorders in the literature. This variant has been identified in 1/249384 chromosomes in the general population by the Genome Aggregation Database (gnomAD). The available evidence is insufficient to determine the role of this variant in disease conclusively. Therefore, this variant is classified as a Variant of Uncertain Significance.

This study involves interpretation of variants in research participants for the purpose of population health screening. Participant phenotype was not available at the time of variant classification. Additional details can be found in publication PMID: 35346344, PMCID: PMC8962531